The following is an entry in ClinVar:

NM_001112741.2(KCNC1):c.548C>G (p.Pro183Arg)

Gene: KCNC1 (potassium voltage-gated channel subfamily C member 1; plus strand). Cytogenetic location: 11p15.1.
Variant type: single nucleotide variant.
Coding change: c.548C>G on transcript NM_001112741.2 (MANE Select); coding-DNA position 548, C replaced by G.
Protein change: p.Pro183Arg; replaces proline 183 with arginine.
Molecular consequence: missense variant.
Genome position (GRCh38, 1-based): chr11:17,736,550, C>G. VCF-style: chr11-17736550-C-G. GRCh37 (hg19) VCF-style: chr11-17758097-C-G.
Other names: c.548C>G, p.Pro183Arg (NM_004976.4); short protein forms P183R.
Identifiers: ClinVar variation 849585 (VCV000849585.6), dbSNP rs1848768884, ClinGen allele CA379802063.
Genomic context (GRCh38, chr11:17,736,550, plus strand): 5'-GCCGGCCTGGCGGCTTTTGGCGCCGCTGGCAGCCGCGCATCTGGGCGCTCTTCGAGGACC[C>G]GTACTCGTCCCGCTACGCGCGGGTAAGTGACAATTTACCCATCAGAAGAGCGGGGCGGGA-3'
Protein context (NP_001106212.1, residues 173-193): QPRIWALFED[Pro183Arg]YSSRYARYVA

ClinVar aggregate classification (germline): Uncertain significance. Review status: criteria provided, multiple submitters, no conflicts (2 of 4 stars). 2 submissions from 2 submitters: Uncertain significance (2). Last evaluated 2021-08-24.

Conditions:
Progressive myoclonic epilepsy type 7. Identifiers: Orphanet 435438, MedGen C4015420, MONDO:0014521, OMIM 616187.

Submissions (2):

Labcorp Genetics (formerly Invitae), Labcorp
Classification: Uncertain significance for Progressive myoclonic epilepsy type 7. Last evaluated: 2021-08-24. Review status: criteria provided, single submitter. Criteria: Invitae Variant Classification Sherloc (09022015). Collection method: clinical testing. Allele origin: germline.

Baylor Genetics
Classification: Uncertain significance for Progressive myoclonic epilepsy type 7. Last evaluated: 2020-10-27. Review status: criteria provided, single submitter. Criteria: ACMG Guidelines, 2015. Collection method: clinical testing. Allele origin: unknown. Affected: yes.
Comment: This variant was determined to be of uncertain significance according to ACMG Guidelines, 2015 [PMID:25741868].